The following is an entry in ClinVar:

ClinVar aggregate classification (germline): Uncertain significance (1 of 4 stars; one submission).

Allele frequency attached by ClinVar (database versions not stated): ExAC 0.00001; TOPMed 0.00003; gnomAD 0.00005.
gnomAD v4.1: 16 of 1,613,902 alleles (0.00099%); highest among the groups gnomAD compares: African/African-American, 0.012%; no homozygotes.

Submission:

Labcorp Genetics (formerly Invitae), Labcorp
Classification: Uncertain significance. Last evaluated: 2022-10-26. Review status: criteria provided, single submitter. Criteria: Invitae Variant Classification Sherloc (09022015). Collection method: clinical testing. Allele origin: germline.
Comment: This sequence change replaces aspartic acid, which is acidic and polar, with asparagine, which is neutral and polar, at codon 154 of the PODXL protein (p.Asp154Asn). This variant is present in population databases (rs750082175, gnomAD 0.02%). This variant has not been reported in the literature in individuals affected with PODXL-related conditions. Algorithms developed to predict the effect of missense changes on protein structure and function output the following: SIFT: "Tolerated"; PolyPhen-2: "Benign"; Align-GVGD: "Class C0". The asparagine amino acid residue is found in multiple mammalian species, which suggests that this missense change does not adversely affect protein function. In summary, the available evidence is currently insufficient to determine the role of this variant in disease. Therefore, it has been classified as a Variant of Uncertain Significance.

NM_001018111.3(PODXL):c.460G>A (p.Asp154Asn)

Gene: PODXL (podocalyxin like; minus strand). Cytogenetic location: 7q32.3.
Variant type: single nucleotide variant.
Coding change: c.460G>A on transcript NM_001018111.3 (MANE Select); coding-DNA position 460, G replaced by A.
Protein change: p.Asp154Asn; replaces aspartic acid 154 with asparagine.
Molecular consequence: missense variant.
Genome position (GRCh38, 1-based): chr7:131,511,074, C>T on the plus strand (G>A on the coding strand, the complement: PODXL is on the minus strand). VCF-style: chr7-131511074-C-T. GRCh37 (hg19) VCF-style: chr7-131195833-C-T.
Other names: c.460G>A, p.Asp154Asn (NM_005397.4); short protein forms D154N.
Identifiers: ClinVar variation 2907677 (VCV002907677.3), dbSNP rs750082175, ClinGen allele CA4488701.